The following is an entry in ClinVar:

ClinVar aggregate classification (germline): Conflicting classifications of pathogenicity. Review status: criteria provided, conflicting classifications (1 of 4 stars). 3 submissions from 3 submitters: Uncertain significance (1); Likely benign (2). Last evaluated 2025-07-22.

Conditions:
Tuberous sclerosis 2 (TSC2). Identifiers: Orphanet 805, MedGen C1860707, MONDO:0013199, OMIM 613254.

gnomAD v4.1: 3 of 1,613,714 alleles (0.00019%); highest among the groups gnomAD compares: South Asian, 0.0011%; no homozygotes.

Submissions (3):

Labcorp Genetics (formerly Invitae), Labcorp
Classification: Likely benign for Tuberous sclerosis 2. Last evaluated: 2025-07-22. Review status: criteria provided, single submitter. Criteria: Invitae Variant Classification Sherloc (09022015). Collection method: clinical testing. Allele origin: germline.

Quest Diagnostics Nichols Institute San Juan Capistrano
Classification: Uncertain significance. Last evaluated: 2025-07-12. Review status: criteria provided, single submitter. Criteria: Quest Diagnostics criteria. Collection method: clinical testing. Allele origin: unknown.

Myriad Genetics, Inc.
Classification: Likely benign for Tuberous sclerosis 2. Last evaluated: 2025-05-21. Review status: criteria provided, single submitter. Criteria: Myriad Autosomal Dominant, Autosomal Recessive and X-Linked Classification Criteria (2023). Collection method: clinical testing. Allele origin: unknown.
Comment: This variant is considered likely benign. This variant is intronic and is not expected to impact mRNA splicing.

NM_000548.5(TSC2):c.2640-7A>G

Gene: TSC2 (TSC complex subunit 2; plus strand). Cytogenetic location: 16p13.3.
Variant type: single nucleotide variant.
Coding change: c.2640-7A>G on transcript NM_000548.5 (MANE Select); 7 bases into the intron before coding-DNA position 2640, A replaced by G.
Molecular consequence: intron variant.
Genome position (GRCh38, 1-based): chr16:2,076,061, A>G. VCF-style: chr16-2076061-A-G. GRCh37 (hg19) VCF-style: chr16-2126062-A-G.
Other names: c.2640-7A>G (NM_001114382.3, NM_021055.3, NM_001370405.1 and 3 more transcripts); c.2529-7A>G (NM_001318827.2); c.2040-7A>G (NM_001318831.2); c.2493-7A>G (NM_001318829.2); c.2673-7A>G (NM_001318832.2).
Identifiers: ClinVar variation 467955 (VCV000467955.11), dbSNP rs1555508569, ClinGen allele CA658658379.